The following is an entry in ClinVar:

NM_001378454.1(ALMS1):c.2848G>A (p.Val950Met)

Gene: ALMS1 (ALMS1 centrosome and basal body associated protein; plus strand). Cytogenetic location: 2p13.1.
Variant type: single nucleotide variant.
Coding change: c.2848G>A on transcript NM_001378454.1 (MANE Select); coding-DNA position 2848, G replaced by A.
Protein change: p.Val950Met; replaces valine 950 with methionine.
Molecular consequence: missense variant.
Genome position (GRCh38, 1-based): chr2:73,449,375, G>A. VCF-style: chr2-73449375-G-A. GRCh37 (hg19) VCF-style: chr2-73676502-G-A.
Other names: c.2851G>A, p.Val951Met (NM_015120.4); short protein forms V950M, V951M.
Identifiers: ClinVar variation 1354040 (VCV001354040.3), dbSNP rs370733145, ClinGen allele CA1713421.

ClinVar aggregate classification (germline): Uncertain significance (1 of 4 stars; one submission).

Conditions:
Alstrom syndrome (ALMS). Identifiers: Orphanet 64, MedGen C0268425, MONDO:0008763, OMIM 203800.

Allele frequency attached by ClinVar (database versions not stated): gnomAD exomes below 0.00001; ExAC 0.00001.

Submission:

Labcorp Genetics (formerly Invitae), Labcorp
Classification: Uncertain significance for Alstrom syndrome. Last evaluated: 2022-07-19. Review status: criteria provided, single submitter. Criteria: Invitae Variant Classification Sherloc (09022015). Collection method: clinical testing. Allele origin: germline.
Comment: This sequence change replaces valine, which is neutral and non-polar, with methionine, which is neutral and non-polar, at codon 951 of the ALMS1 protein (p.Val951Met). This variant is present in population databases (rs370733145, gnomAD 0.007%). This variant has not been reported in the literature in individuals affected with ALMS1-related conditions. ClinVar contains an entry for this variant (Variation ID: 1354040). In summary, the available evidence is currently insufficient to determine the role of this variant in disease. Therefore, it has been classified as a Variant of Uncertain Significance.